The following is an entry in ClinVar:

ClinVar aggregate classification (germline): Uncertain significance. Review status: criteria provided, multiple submitters, no conflicts (2 of 4 stars). 4 submissions from 3 submitters: Uncertain significance (4). Last evaluated 2023-07-07.

Conditions:
NOD2-related disorder. Also called: NOD2-related condition.
Inflammatory bowel disease 1 (IBD1). Also called: Inflammatory bowel disease 1, Crohn disease; INFLAMMATORY BOWEL DISEASE (CROHN DISEASE) 1. Identifiers: MedGen CN260071, MONDO:0009960, OMIM 266600.
Blau syndrome (BLAUS). Also called: ARTHROCUTANEOUVEAL GRANULOMATOSIS; GRANULOMATOSIS, FAMILIAL JUVENILE SYSTEMIC; GRANULOMATOSIS, FAMILIAL, BLAU TYPE; GRANULOMATOUS INFLAMMATORY ARTHRITIS, DERMATITIS, AND UVEITIS, FAMILIAL; JABS SYNDROME. Identifiers: Orphanet 90340, MedGen C5201146, MONDO:0008523, OMIM 186580.

Allele frequency attached by ClinVar (database versions not stated): gnomAD exomes below 0.00001; ExAC 0.00001.
gnomAD v4.1: 2 of 1,613,944 alleles (0.00012%); highest among the groups gnomAD compares: Middle Eastern, 0.016%; no homozygotes.

Submissions (4):

PreventionGenetics, part of Exact Sciences
Classification: Uncertain significance for NOD2-related condition. Last evaluated: 2023-07-07. Review status: criteria provided, single submitter. Criteria: ACMG Guidelines, 2015. Collection method: clinical testing. Allele origin: germline.
Comment: The NOD2 c.2330C>A variant is predicted to result in the amino acid substitution p.Thr777Asn. To our knowledge, this variant has not been reported in the literature. This variant is reported in 0.0% of alleles in individuals of African descent in gnomAD. At this time, the clinical significance of this variant is uncertain due to the absence of conclusive functional and genetic evidence.

Illumina Laboratory Services, Illumina
Classification: Uncertain significance for Blau syndrome. Last evaluated: 2018-01-12. Review status: criteria provided, single submitter. Criteria: ICSL Variant Classification Criteria 13 December 2019. Collection method: clinical testing. Allele origin: germline.

Illumina Laboratory Services, Illumina
Classification: Uncertain significance for Inflammatory bowel disease 1. Last evaluated: 2018-01-12. Review status: criteria provided, single submitter. Criteria: ICSL Variant Classification Criteria 13 December 2019. Collection method: clinical testing. Allele origin: germline.

Breakthrough Genomics
Classification: Uncertain significance. Review status: criteria provided, single submitter. Criteria: ACMG Guidelines, 2015. Collection method: not provided. Allele origin: germline. Inheritance: Autosomal dominant inheritance. Affected: yes.

NM_001370466.1(NOD2):c.2249C>A (p.Thr750Asn)

Gene: NOD2 (nucleotide binding oligomerization domain containing 2; plus strand). Cytogenetic location: 16q12.1.
Variant type: single nucleotide variant.
Coding change: c.2249C>A on transcript NM_001370466.1 (MANE Select); coding-DNA position 2249, C replaced by A.
Protein change: p.Thr750Asn; replaces threonine 750 with asparagine.
Molecular consequence: missense variant. On other transcripts: non-coding transcript variant (1).
Genome position (GRCh38, 1-based): chr16:50,712,241, C>A. VCF-style: chr16-50712241-C-A. GRCh37 (hg19) VCF-style: chr16-50746152-C-A.
Other names: c.2330C>A (LRG_177t1, NM_022162.2); c.2249C>A, p.Thr750Asn (NM_001293557.2); c.2330C>A, p.Thr777Asn (NM_022162.3); short protein forms T777N, T750N.
Identifiers: ClinVar variation 319463 (VCV000319463.9), dbSNP rs756184386, ClinGen allele CA8051753.